The following is an entry in ClinVar:

ClinVar aggregate classification (germline): Uncertain significance (1 of 4 stars; one submission).

gnomAD v4.1: 1 of 1,585,976 alleles (0.000063%); highest among the groups gnomAD compares: Non-Finnish European, 0.000087%; no homozygotes.

Submission:

GeneDx
Classification: Uncertain significance. Last evaluated: 2025-09-09. Review status: criteria provided, single submitter. Criteria: GeneDx Variant Classification Process June 2021. Collection method: clinical testing. Allele origin: germline. Affected: yes.
Comment: Not observed at significant frequency in large population cohorts (gnomAD); Has not been previously published as pathogenic or benign to our knowledge; In silico analysis is inconclusive as to whether the variant alters gene splicing. In the absence of RNA/functional studies, the actual effect of this sequence change is unknown.

NM_138694.4(PKHD1):c.53-6T>G

Gene: PKHD1 (PKHD1 ciliary IPT domain containing fibrocystin/polyductin; minus strand). Cytogenetic location: 6p12.2.
Variant type: single nucleotide variant.
Coding change: c.53-6T>G on transcript NM_138694.4 (MANE Select); 6 bases into the intron before coding-DNA position 53, T replaced by G.
Molecular consequence: intron variant.
Genome position (GRCh38, 1-based): chr6:52,083,261, A>C on the plus strand (T>G on the coding strand, the complement: PKHD1 is on the minus strand). VCF-style: chr6-52083261-A-C. GRCh37 (hg19) VCF-style: chr6-51948059-A-C.
Other names: c.53-6T>G (NM_170724.3).
Identifiers: ClinVar variation 4813263 (VCV004813263.1).